The following is an entry in ClinVar:

NM_000380.4(XPA):c.497T>C (p.Val166Ala)

Gene: XPA (XPA, DNA damage recognition and repair factor; minus strand). Cytogenetic location: 9q22.33.
Variant type: single nucleotide variant.
Coding change: c.497T>C on transcript NM_000380.4 (MANE Select); coding-DNA position 497, T replaced by C.
Protein change: p.Val166Ala; replaces valine 166 with alanine.
Molecular consequence: missense variant. On other transcripts: non-coding transcript variant (4).
Genome position (GRCh38, 1-based): chr9:97,687,154, A>G on the plus strand (T>C on the coding strand, the complement: XPA is on the minus strand). VCF-style: chr9-97687154-A-G. GRCh37 (hg19) VCF-style: chr9-100449436-A-G.
Other names: c.371T>C, p.Val124Ala (NM_001354975.2); short protein forms V166A, V124A.
Identifiers: ClinVar variation 135457 (VCV000135457.36), dbSNP rs143374902, ClinGen allele CA162829.

ClinVar aggregate classification (germline): Benign. Review status: criteria provided, multiple submitters, no conflicts (2 of 4 stars). 4 submissions from 4 submitters: Benign (2). 2 of the submissions do not count toward it. Last evaluated 2026-01-31.

Conditions:
XPA-related disorder. Also called: XPA-related condition.

Allele frequency attached by ClinVar (database versions not stated): ESP Exome Variant Server 0.00369; gnomAD exomes 0.00071; ExAC 0.00095; 1000 Genomes Project 0.00200; 1000 Genomes Project 30x 0.00234; gnomAD 0.00277 and 0.00307; TOPMed 0.00284.
gnomAD v4.1: 780 of 1,612,938 alleles (0.048%); highest among the groups gnomAD compares: African/African-American, 0.99%; 8 homozygotes.

Submissions (4):

Labcorp Genetics (formerly Invitae), Labcorp
Classification: Benign. Last evaluated: 2026-01-31. Review status: criteria provided, single submitter. Criteria: Invitae Variant Classification Sherloc (09022015). Collection method: clinical testing. Allele origin: germline.

CeGaT Center for Human Genetics Tuebingen
Classification: Benign. Last evaluated: 2023-03-01. Review status: criteria provided, single submitter. Criteria: CeGaT Center For Human Genetics Tuebingen Variant Classification Criteria Version 2. Collection method: clinical testing. Allele origin: germline. Affected: yes. Observed: 2 variant alleles.
Comment: XPA: BS1, BS2

PreventionGenetics, part of Exact Sciences
Classification: Likely benign for XPA-related condition. Last evaluated: 2019-03-27. Review status: no assertion criteria provided. Collection method: clinical testing. Allele origin: germline. Not counted in ClinVar's aggregate classification.
Comment: This variant is classified as likely benign based on ACMG/AMP sequence variant interpretation guidelines (Richards et al. 2015 PMID: 25741868, with internal and published modifications).

ITMI
No classification provided. Condition: AllHighlyPenetrant. Last evaluated: 2013-09-19. Review status: no classification provided. Collection method: reference population. Allele origin: germline. Not counted in ClinVar's aggregate classification.
Comment: Please see associated publication for description of ethnicities

Literature cited by the submitters: PubMed 24728327 (cited by ITMI).